The following is an entry in ClinVar:

ClinVar aggregate classification (germline): Benign. Review status: criteria provided, multiple submitters, no conflicts (2 of 4 stars). 2 submissions from 2 submitters: Benign (2). Last evaluated 2018-06-16.

Allele frequency attached by ClinVar (database versions not stated): 1000 Genomes Project 30x 0.12024; 1000 Genomes Project 0.12161; gnomAD 0.12538 and 0.12769; ESP Exome Variant Server 0.12586; TOPMed 0.12816; gnomAD exomes 0.13935 and 0.14686; ExAC 0.14367.
gnomAD v4.1: 223,129 of 1,612,540 alleles (14%); highest among the groups gnomAD compares: South Asian, 21%; 16,131 homozygotes.

Submissions (2):

GeneDx
Classification: Benign. Last evaluated: 2018-06-16. Review status: criteria provided, single submitter. Criteria: GeneDx Variant Classification (06012015). Collection method: clinical testing. Allele origin: germline. Affected: yes.
Comment: This variant is considered likely benign or benign based on one or more of the following criteria: it is a conservative change, it occurs at a poorly conserved position in the protein, it is predicted to be benign by multiple in silico algorithms, and/or has population frequency not consistent with disease.

Breakthrough Genomics
Classification: Benign. Review status: criteria provided, single submitter. Criteria: ACMG Guidelines, 2015. Collection method: not provided. Allele origin: germline. Inheritance: Autosomal dominant inheritance. Affected: yes.

NM_004700.4(KCNQ4):c.834+27C>A

Gene: KCNQ4 (potassium voltage-gated channel subfamily Q member 4; plus strand). Cytogenetic location: 1p34.2.
Variant type: single nucleotide variant.
Coding change: c.834+27C>A on transcript NM_004700.4 (MANE Select); 27 bases into the intron after coding-DNA position 834, C replaced by A.
Molecular consequence: intron variant.
Genome position (GRCh38, 1-based): chr1:40,819,499, C>A. VCF-style: chr1-40819499-C-A. GRCh37 (hg19) VCF-style: chr1-41285171-C-A.
Other names: c.834+27C>A (NM_172163.3).
Identifiers: ClinVar variation 682780 (VCV000682780.2), dbSNP rs33932028, ClinGen allele CA794651.